The following is an entry in ClinVar:

ClinVar aggregate classification (germline): Uncertain significance. Review status: criteria provided, single submitter (1 of 4 stars). 2 submissions from 2 submitters: Uncertain significance (1). 1 of the submissions does not count toward it. Last evaluated 2025-08-17.

Conditions:
Autosomal dominant Parkinson disease 8. Also called: Parkinson disease 8, susceptibility to; LRRK2-Related Parkinson Disease; Parkinson disease 8. Identifiers: Orphanet 411602, MedGen C1846862, MONDO:0011764, OMIM 607060.

Allele frequency attached by ClinVar (database versions not stated): ExAC 0.00001; gnomAD 0.00001; gnomAD exomes 0.00001 and 0.00002; TOPMed 0.00003.
gnomAD v4.1: 26 of 1,612,760 alleles (0.0016%); highest among the groups gnomAD compares: Non-Finnish European, 0.0019%; no homozygotes.

Submissions (2):

Labcorp Genetics (formerly Invitae), Labcorp
Classification: Uncertain significance for Autosomal dominant Parkinson disease 8. Last evaluated: 2025-08-17. Review status: criteria provided, single submitter. Criteria: Invitae Variant Classification Sherloc (09022015). Collection method: clinical testing. Allele origin: germline.
Comment: This sequence change replaces lysine, which is basic and polar, with glutamic acid, which is acidic and polar, at codon 871 of the LRRK2 protein (p.Lys871Glu). This variant is present in population databases (rs281865044, gnomAD 0.004%). This variant has not been reported in the literature in individuals affected with LRRK2-related conditions. ClinVar contains an entry for this variant (Variation ID: 39152). Invitae Evidence Modeling of protein sequence and biophysical properties (such as structural, functional, and spatial information, amino acid conservation, physicochemical variation, residue mobility, and thermodynamic stability) indicates that this missense variant is not expected to disrupt LRRK2 protein function with a negative predictive value of 80%. In summary, the available evidence is currently insufficient to determine the role of this variant in disease. Therefore, it has been classified as a Variant of Uncertain Significance.

GeneReviews
No classification provided. Condition: Autosomal dominant Parkinson disease 8. Review status: no classification provided. Collection method: literature only. Allele origin: unknown. Not counted in ClinVar's aggregate classification.

Literature cited by the submitters: PubMed 20301387 (cited by GeneReviews); NCBI Bookshelf NBK1208 (cited by GeneReviews).

NM_198578.4(LRRK2):c.2611A>G (p.Lys871Glu)

Gene: LRRK2 (leucine rich repeat kinase 2; plus strand). Cytogenetic location: 12q12.
Variant type: single nucleotide variant.
Coding change: c.2611A>G on transcript NM_198578.4 (MANE Select); coding-DNA position 2611, A replaced by G.
Protein change: p.Lys871Glu; replaces lysine 871 with glutamic acid.
Molecular consequence: missense variant.
Genome position (GRCh38, 1-based): chr12:40,287,461, A>G. VCF-style: chr12-40287461-A-G. GRCh37 (hg19) VCF-style: chr12-40681263-A-G.
Other names: short protein forms K871E.
Identifiers: ClinVar variation 39152 (VCV000039152.7), dbSNP rs281865044, ClinGen allele CA343515.